The following is an entry in ClinVar:

ClinVar aggregate classification (germline): Pathogenic (1 of 4 stars; one submission).

Conditions:
Familial hemophagocytic lymphohistiocytosis 3 (FHL3). Also called: UNC13D-Related Familial Hemophagocytic Lymphohistiocytosis (UNC13D-fHLH). Identifiers: Orphanet 540, MedGen C1837174, MONDO:0012146, OMIM 608898.

Submission:

Labcorp Genetics (formerly Invitae), Labcorp
Classification: Pathogenic for Familial hemophagocytic lymphohistiocytosis 3. Last evaluated: 2023-03-07. Review status: criteria provided, single submitter. Criteria: Invitae Variant Classification Sherloc (09022015). Collection method: clinical testing. Allele origin: germline.
Comment: For these reasons, this variant has been classified as Pathogenic. This premature translational stop signal has been observed in individual(s) with UNC13D-related conditions (PMID: 30104219). This variant is not present in population databases (gnomAD no frequency). This sequence change creates a premature translational stop signal (p.Thr541Aspfs*5) in the UNC13D gene. It is expected to result in an absent or disrupted protein product. Loss-of-function variants in UNC13D are known to be pathogenic (PMID: 14622600).

Literature cited by the submitters: PubMed 30104219; PubMed 14622600.

NM_199242.3(UNC13D):c.1621_1622del (p.Thr541fs)

Gene: UNC13D (unc-13 homolog D; minus strand). Cytogenetic location: 17q25.1.
Variant type: Microsatellite.
Coding change: c.1621_1622del on transcript NM_199242.3 (MANE Select); coding-DNA positions 1621 to 1622, 2 bases deleted (AC; older notation c.1621_1622delAC).
Protein change: p.Thr541fs; shifts the reading frame from threonine 541.
Molecular consequence: frameshift variant.
Genome position (GRCh38, 1-based): chr17:75,835,752-75,835,753, GT deleted on the plus strand (AC on the coding strand, the reverse complement: UNC13D is on the minus strand); deleting any 2 consecutive bases within chr17:75,835,752-75,835,756 gives the same sequence; the c. name uses the placement nearest the transcript's 3' end. VCF-style (leftmost placement, unchanged base first): chr17-75835751-CGT-C. GRCh37 (hg19) VCF-style: chr17-73831832-CGT-C.
Other names: short protein forms T541fs.
Identifiers: ClinVar variation 2915517 (VCV002915517.3), dbSNP rs775572639, ClinGen allele CA8772867.
Genomic context (GRCh38, chr17:75,835,751, plus strand): 5'-GATGTAGAGCTGGAACAGACTCTCGCCCATCTCTGGGGACACTACATCACCCACAACCGT[CGT>C]GTGGTCCTGCACCCGCTTGGCCACCTGCAAAGGAAAGGTGTGGAGGGCGGGGCCCACAGC-3'